The following is an entry in ClinVar:

ClinVar aggregate classification (germline): Uncertain significance. Review status: criteria provided, multiple submitters, no conflicts (2 of 4 stars). 2 submissions from 2 submitters: Uncertain significance (2). Last evaluated 2026-03-20.

Conditions:
Arrhythmogenic right ventricular dysplasia 13. Also called: ARRHYTHMOGENIC RIGHT VENTRICULAR CARDIOMYOPATHY 13; Arrhythmogenic right ventricular dysplasia, familial, 13. Identifiers: MedGen C3810138, MONDO:0000908, OMIM 615616.

Submissions (2):

Women's Health and Genetics/Laboratory Corporation of America, LabCorp
Classification: Uncertain significance. Last evaluated: 2026-03-20. Review status: criteria provided, single submitter. Criteria: LabCorp Variant Classification Summary - May 2015. Collection method: clinical testing. Allele origin: germline.
Comment: Variant summary: CTNNA3 c.2568dupA (p.Pro857ThrfsX4) results in a premature termination codon, predicted to cause a truncation of the encoded protein, however, nonsense mediated decay is not expected to occur. Additionally, current evidence is not sufficient to establish loss of function as a mechanism for disease. The variant allele was found at a frequency of 8e-06 in 251290 control chromosomes. The available data on variant occurrences in the general population are insufficient to allow any conclusion about variant significance. To our knowledge, no occurrence of c.2568dupA in individuals affected with CTNNA3-related conditions and no experimental evidence demonstrating its impact on protein function have been reported. ClinVar contains an entry for this variant (Variation ID: 947338). Based on the evidence outlined above, the variant was classified as uncertain significance.

Labcorp Genetics (formerly Invitae), Labcorp
Classification: Uncertain significance for Arrhythmogenic right ventricular dysplasia 13. Last evaluated: 2025-07-27. Review status: criteria provided, single submitter. Criteria: Invitae Variant Classification Sherloc (09022015). Collection method: clinical testing. Allele origin: germline.
Comment: This sequence change creates a premature translational stop signal (p.Pro857Thrfs*4) in the CTNNA3 gene. While this is not anticipated to result in nonsense mediated decay, it is expected to disrupt the last 39 amino acid(s) of the CTNNA3 protein. This variant is present in population databases (rs759618368, gnomAD 0.006%). This variant has not been reported in the literature in individuals affected with CTNNA3-related conditions. ClinVar contains an entry for this variant (Variation ID: 947338). Experimental studies and prediction algorithms are not available or were not evaluated, and the functional significance of this variant is currently unknown. In summary, the available evidence is currently insufficient to determine the role of this variant in disease. Therefore, it has been classified as a Variant of Uncertain Significance.

NM_013266.4(CTNNA3):c.2568dup (p.Pro857fs)

Gene: CTNNA3 (catenin alpha 3; minus strand). Cytogenetic location: 10q21.3.
Variant type: Duplication.
Coding change: c.2568dup on transcript NM_013266.4 (MANE Select); coding-DNA position 2568, one base duplicated (A; older notation c.2568dupA).
Protein change: p.Pro857fs; shifts the reading frame from proline 857.
Molecular consequence: frameshift variant.
Genome position (GRCh38, 1-based): chr10:65,920,450, T duplicated on the plus strand (A on the coding strand, the reverse complement: CTNNA3 is on the minus strand); the first of 7 consecutive T bases (chr10:65,920,450-65,920,456); duplicating any one gives the same sequence. VCF-style (leftmost placement, unchanged base first): chr10-65920449-G-GT. GRCh37 (hg19) VCF-style: chr10-67680207-G-GT.
Other names: c.2568dup, p.Pro857fs (NM_001127384.3); c.2568dupA (NM_013266.4); short protein forms P857fs.
Identifiers: ClinVar variation 947338 (VCV000947338.8), dbSNP rs759618368, ClinGen allele CA5519548.